The following is an entry in ClinVar:

ClinVar aggregate classification (germline): Pathogenic (1 of 4 stars; one submission).

Conditions:
Tuberous sclerosis 1 (TSC1). Identifiers: Orphanet 805, MedGen C1854465, MONDO:0008612, OMIM 191100.

Submission:

Labcorp Genetics (formerly Invitae), Labcorp
Classification: Pathogenic for Tuberous sclerosis 1. Last evaluated: 2020-01-30. Review status: criteria provided, single submitter. Criteria: Invitae Variant Classification Sherloc (09022015). Collection method: clinical testing. Allele origin: germline.
Comment: For these reasons, this variant has been classified as Pathogenic. Loss-of-function variants in TSC1 are known to be pathogenic (PMID: 10227394, 17304050). This variant has not been reported in the literature in individuals with TSC1-related conditions. This variant is not present in population databases (ExAC no frequency). This sequence change creates a premature translational stop signal (p.Gln711Alafs*23) in the TSC1 gene. It is expected to result in an absent or disrupted protein product.

Literature cited by the submitters: PubMed 10227394; PubMed 17304050.

NM_000368.5(TSC1):c.2130dup (p.Gln711fs)

Gene: TSC1 (TSC complex subunit 1; minus strand). Cytogenetic location: 9q34.13.
Variant type: Duplication.
Coding change: c.2130dup on transcript NM_000368.5 (MANE Select); coding-DNA position 2130, one base duplicated (G; older notation c.2130dupG).
Protein change: p.Gln711fs; shifts the reading frame from glutamine 711.
Molecular consequence: frameshift variant.
Genome position (GRCh38, 1-based): chr9:132,903,729, C duplicated on the plus strand (G on the coding strand, the reverse complement: TSC1 is on the minus strand). VCF-style (leftmost placement, unchanged base first): chr9-132903728-G-GC. GRCh37 (hg19) VCF-style: chr9-135779115-G-GC.
Other names: c.2127dup, p.Gln710fs (NM_001162426.2); c.1977dup, p.Gln660fs (NM_001162427.2); c.1767dup, p.Gln590fs (NM_001362177.2); short protein forms Q590fs, Q660fs, Q710fs, Q711fs.
Identifiers: ClinVar variation 1069083 (VCV001069083.7), dbSNP rs2131765460, ClinGen allele CA2499219705.
Genomic context (GRCh38, chr9:132,903,728, plus strand): 5'-CCTCCAGAGCTGCTGCTTTGATCACCTTGCGGAGGAGCCGCCTGTTCCGGAGGGCATGCT[G>GC]CTGCCTCTTAAAACGCTCATAGAGTAACTGGTTGTGCAGTAAAAGCAACTGGTCTCGGAG-3'